The following is an entry in ClinVar:

ClinVar aggregate classification (germline): Uncertain significance. Review status: criteria provided, multiple submitters, no conflicts (2 of 4 stars). 2 submissions from 2 submitters: Uncertain significance (2). Last evaluated 2025-07-31.

Conditions:
Primary ciliary dyskinesia. Also called: Ciliary dyskinesia. Identifiers: Orphanet 244, MedGen C0008780, MONDO:0016575, HP:0012265.

Allele frequency attached by ClinVar (database versions not stated): gnomAD 0.00001; TOPMed 0.00001.
gnomAD v4.1: 11 of 1,614,022 alleles (0.00068%); highest among the groups gnomAD compares: East Asian, 0.0022%; no homozygotes.

Submissions (2):

Labcorp Genetics (formerly Invitae), Labcorp
Classification: Uncertain significance for Primary ciliary dyskinesia. Last evaluated: 2025-07-31. Review status: criteria provided, single submitter. Criteria: Invitae Variant Classification Sherloc (09022015). Collection method: clinical testing. Allele origin: germline.
Comment: This sequence change replaces valine, which is neutral and non-polar, with isoleucine, which is neutral and non-polar, at codon 315 of the RSPH4A protein (p.Val315Ile). This variant is present in population databases (no rsID available, gnomAD 0.0009%). This variant has not been reported in the literature in individuals affected with RSPH4A-related conditions. ClinVar contains an entry for this variant (Variation ID: 2414164). Invitae Evidence Modeling of protein sequence and biophysical properties (such as structural, functional, and spatial information, amino acid conservation, physicochemical variation, residue mobility, and thermodynamic stability) indicates that this missense variant is not expected to disrupt RSPH4A protein function with a negative predictive value of 80%. In summary, the available evidence is currently insufficient to determine the role of this variant in disease. Therefore, it has been classified as a Variant of Uncertain Significance.

GeneDx
Classification: Uncertain significance. Last evaluated: 2023-01-13. Review status: criteria provided, single submitter. Criteria: GeneDx Variant Classification Process June 2021. Collection method: clinical testing. Allele origin: germline. Affected: yes.
Comment: Not observed at significant frequency in large population cohorts (gnomAD); In silico analysis supports that this missense variant does not alter protein structure/function; Has not been previously published as pathogenic or benign to our knowledge

NM_001010892.3(RSPH4A):c.943G>A (p.Val315Ile)

Gene: RSPH4A (radial spoke head component 4A; plus strand). Cytogenetic location: 6q22.1.
Variant type: single nucleotide variant.
Coding change: c.943G>A on transcript NM_001010892.3 (MANE Select); coding-DNA position 943, G replaced by A.
Protein change: p.Val315Ile; replaces valine 315 with isoleucine.
Molecular consequence: missense variant.
Genome position (GRCh38, 1-based): chr6:116,627,650, G>A. VCF-style: chr6-116627650-G-A. GRCh37 (hg19) VCF-style: chr6-116948813-G-A.
Other names: c.943G>A (NM_001010892.2); c.943G>A, p.Val315Ile (NM_001161664.2); short protein forms V315I.
Identifiers: ClinVar variation 2414164 (VCV002414164.3), dbSNP rs1450524623, ClinGen allele CA365402993.